The following is an entry in ClinVar:

ClinVar aggregate classification (germline): Uncertain significance. Review status: criteria provided, multiple submitters, no conflicts (2 of 4 stars). 4 submissions from 4 submitters: Uncertain significance (4). Last evaluated 2025-05-15.

Conditions:
Familial cancer of breast. Also called: BREAST CANCER, FAMILIAL; Hereditary breast cancer; hereditary breast carcinoma. Identifiers: Orphanet 227535, MedGen C0346153, MONDO:0016419, OMIM 114480. Disease mechanism: loss of function.
Hereditary cancer-predisposing syndrome. Also called: Hereditary neoplastic syndrome; Neoplastic Syndromes, Hereditary; Hereditary Cancer Syndrome; Tumor predisposition. Identifiers: Orphanet 140162, MedGen C0027672, MeSH D009386, MONDO:0015356.

Allele frequency attached by ClinVar (database versions not stated): TOPMed below 0.00001.

Submissions (4):

Ambry Genetics
Classification: Uncertain significance for Hereditary cancer-predisposing syndrome. Last evaluated: 2025-05-15. Review status: criteria provided, single submitter. Criteria: Ambry Variant Classification Scheme 2023. Collection method: clinical testing. Allele origin: germline.
Comment: The p.P246S variant (also known as c.736C>T), located in coding exon 4 of the BARD1 gene, results from a C to T substitution at nucleotide position 736. The proline at codon 246 is replaced by serine, an amino acid with similar properties. This amino acid position is not well conserved in available vertebrate species. In addition, this alteration is predicted to be tolerated by in silico analysis. Since supporting evidence is limited at this time, the clinical significance of this alteration remains unclear.

Labcorp Genetics (formerly Invitae), Labcorp
Classification: Uncertain significance for Familial cancer of breast. Last evaluated: 2024-12-15. Review status: criteria provided, single submitter. Criteria: Invitae Variant Classification Sherloc (09022015). Collection method: clinical testing. Allele origin: germline.
Comment: This sequence change replaces proline, which is neutral and non-polar, with serine, which is neutral and polar, at codon 246 of the BARD1 protein (p.Pro246Ser). This variant is not present in population databases (gnomAD no frequency). This variant has not been reported in the literature in individuals affected with BARD1-related conditions. ClinVar contains an entry for this variant (Variation ID: 530148). An algorithm developed to predict the effect of missense changes on protein structure and function (PolyPhen-2) suggests that this variant is likely to be tolerated. In summary, the available evidence is currently insufficient to determine the role of this variant in disease. Therefore, it has been classified as a Variant of Uncertain Significance.

GeneDx
Classification: Uncertain significance. Last evaluated: 2021-04-28. Review status: criteria provided, single submitter. Criteria: GeneDx Variant Classification Process June 2021. Collection method: clinical testing. Allele origin: germline. Affected: yes.
Comment: Not observed in large population cohorts (Lek et al., 2016); In silico analysis supports that this missense variant does not alter protein structure/function; Has not been previously published as pathogenic or benign to our knowledge

Color Diagnostics, LLC DBA Color Health
Classification: Uncertain significance for Hereditary cancer-predisposing syndrome. Last evaluated: 2020-01-03. Review status: criteria provided, single submitter. Criteria: ACMG Guidelines, 2015. Collection method: clinical testing. Allele origin: germline.
Comment: This missense variant replaces proline with serine at codon 246 of the BARD1 protein. Computational prediction tool suggests that this variant may not impact protein structure and function (internally defined REVEL score threshold ≤0.5, PMID: 27666373). Splice site prediction tools suggest that this variant may not impact RNA splicing. To our knowledge, functional studies have not been performed for this variant. This variant has not been reported in individuals affected with hereditary cancer in the literature. This variant has not been identified in the general population by the Genome Aggregation Database (gnomAD). The available evidence is insufficient to determine the role of this variant in disease conclusively. Therefore, this variant is classified as a Variant of Uncertain Significance.

NM_000465.4(BARD1):c.736C>T (p.Pro246Ser)

Gene: BARD1 (BRCA1 associated RING domain 1; minus strand). Cytogenetic location: 2q35.
Variant type: single nucleotide variant.
Coding change: c.736C>T on transcript NM_000465.4 (MANE Select); coding-DNA position 736, C replaced by T.
Protein change: p.Pro246Ser; replaces proline 246 with serine.
Molecular consequence: missense variant. On other transcripts: non-coding transcript variant (2), intron variant (3).
Genome position (GRCh38, 1-based): chr2:214,781,138, G>A on the plus strand (C>T on the coding strand, the complement: BARD1 is on the minus strand). VCF-style: chr2-214781138-G-A. GRCh37 (hg19) VCF-style: chr2-215645862-G-A.
Other names: c.679C>T, p.Pro227Ser (NM_001282543.2); c.158+28274C>T (NM_001282548.2); c.215+15923C>T (NM_001282545.2); c.364+11159C>T (NM_001282549.2); short protein forms P246S, P227S.
Identifiers: ClinVar variation 530148 (VCV000530148.19), dbSNP rs927730167, ClinGen allele CA350456130.